The following is an entry in ClinVar:

NM_032608.7(MYO18B):c.3422G>A (p.Arg1141Gln)

Gene: MYO18B (myosin XVIIIB; plus strand). Cytogenetic location: 22q12.1.
Variant type: single nucleotide variant.
Coding change: c.3422G>A on transcript NM_032608.7 (MANE Select); coding-DNA position 3422, G replaced by A.
Protein change: p.Arg1141Gln; replaces arginine 1141 with glutamine.
Molecular consequence: missense variant.
Genome position (GRCh38, 1-based): chr22:25,846,153, G>A. VCF-style: chr22-25846153-G-A. GRCh37 (hg19) VCF-style: chr22-26242120-G-A.
Other names: c.3425G>A, p.Arg1142Gln (NM_001318245.2); short protein forms R1141Q, R1142Q.
Identifiers: ClinVar variation 1482863 (VCV001482863.5), dbSNP rs750959478, ClinGen allele CA10160559.

ClinVar aggregate classification (germline): Uncertain significance (1 of 4 stars; one submission).

Allele frequency attached by ClinVar (database versions not stated): TOPMed below 0.00001; ExAC 0.00004.
gnomAD v4.1: 11 of 1,608,492 alleles (0.00068%); highest among the groups gnomAD compares: South Asian, 0.0078%; no homozygotes.

Submission:

Labcorp Genetics (formerly Invitae), Labcorp
Classification: Uncertain significance. Last evaluated: 2021-11-13. Review status: criteria provided, single submitter. Criteria: Invitae Variant Classification Sherloc (09022015). Collection method: clinical testing. Allele origin: germline.
Comment: In summary, the available evidence is currently insufficient to determine the role of this variant in disease. Therefore, it has been classified as a Variant of Uncertain Significance. Algorithms developed to predict the effect of missense changes on protein structure and function output the following: SIFT: "Not Available"; PolyPhen-2: "Benign"; Align-GVGD: "Not Available". The glutamine amino acid residue is found in multiple mammalian species, which suggests that this missense change does not adversely affect protein function. This variant has not been reported in the literature in individuals affected with MYO18B-related conditions. This variant is present in population databases (rs750959478, gnomAD 0.007%). This sequence change replaces arginine, which is basic and polar, with glutamine, which is neutral and polar, at codon 1141 of the MYO18B protein (p.Arg1141Gln).